The following is an entry in ClinVar:

NM_001352913.2(PPP2R5C):c.5C>T (p.Pro2Leu)

Gene: PPP2R5C (protein phosphatase 2 regulatory subunit B'gamma; plus strand). Cytogenetic location: 14q32.31.
Variant type: single nucleotide variant.
Coding change: c.5C>T on transcript NM_001352913.2 (MANE Select); coding-DNA position 5, C replaced by T.
Protein change: p.Pro2Leu; replaces proline 2 with leucine.
Molecular consequence: missense variant. On other transcripts: intron variant (1).
Genome position (GRCh38, 1-based): chr14:101,761,898, C>T. VCF-style: chr14-101761898-C-T. GRCh37 (hg19) VCF-style: chr14-102228235-C-T.
Other names: c.5C>T, p.Pro2Leu (NM_001161726.2, NM_001161725.2); c.43-1007C>T (NM_001352914.2); short protein forms P2L.
Identifiers: ClinVar variation 2976540 (VCV002976540.3), dbSNP rs2548790107, ClinGen allele CA391154337.
Genomic context (GRCh38, chr14:101,761,898, plus strand): 5'-GCTGCGGGGGCAGGCGGCGGCAGGGGCGGCGGCGGCGGCGGCGGCCCGCTCCAGCCATGC[C>T]GAATAAAAACAAGAAGGAGAAAGTGAGTCCGGGCCCGGCCGCGGGACGGAGGGAGCAGGG-3'
Protein context (NP_001339842.1, residues 1-12): M[Pro2Leu]NKNKKEKESP

ClinVar aggregate classification (germline): Uncertain significance (1 of 4 stars; one submission).

Allele frequency attached by ClinVar (database versions not stated): gnomAD exomes below 0.00001.
gnomAD v4.1: 2 of 1,173,968 alleles (0.00017%); highest among the groups gnomAD compares: Non-Finnish European, 0.00021%; no homozygotes.

Submission:

Labcorp Genetics (formerly Invitae), Labcorp
Classification: Uncertain significance. Last evaluated: 2022-12-06. Review status: criteria provided, single submitter. Criteria: Invitae Variant Classification Sherloc (09022015). Collection method: clinical testing. Allele origin: germline.
Comment: This sequence change replaces proline, which is neutral and non-polar, with leucine, which is neutral and non-polar, at codon 2 of the PPP2R5C protein (p.Pro2Leu). In summary, the available evidence is currently insufficient to determine the role of this variant in disease. Therefore, it has been classified as a Variant of Uncertain Significance. Algorithms developed to predict the effect of missense changes on protein structure and function output the following: SIFT: "Tolerated"; PolyPhen-2: "Not Available"; Align-GVGD: "Class C0". The leucine amino acid residue is found in multiple mammalian species, which suggests that this missense change does not adversely affect protein function. This variant has not been reported in the literature in individuals affected with PPP2R5C-related conditions. This variant is not present in population databases (gnomAD no frequency).